The following is an entry in ClinVar:

NM_000535.7(PMS2):c.382T>C (p.Ser128Pro)

Gene: PMS2 (PMS1 homolog 2, mismatch repair system component; minus strand). Cytogenetic location: 7p22.1.
Variant type: single nucleotide variant.
Coding change: c.382T>C on transcript NM_000535.7 (MANE Select); coding-DNA position 382, T replaced by C.
Protein change: p.Ser128Pro; replaces serine 128 with proline.
Molecular consequence: missense variant. On other transcripts: 5 prime UTR variant (8), non-coding transcript variant (1).
Genome position (GRCh38, 1-based): chr7:6,002,608, A>G on the plus strand (T>C on the coding strand, the complement: PMS2 is on the minus strand). VCF-style: chr7-6002608-A-G. GRCh37 (hg19) VCF-style: chr7-6042239-A-G.
Other names: c.-24T>C (NM_001322003.2, NM_001322004.2, NM_001322005.2 and 3 more transcripts); c.382T>C, p.Ser128Pro (NM_001322006.2, NM_001322014.2); c.64T>C, p.Ser22Pro (NM_001322007.2, NM_001322008.2); c.-503T>C (NM_001322011.2, NM_001322012.2); c.73T>C, p.Ser25Pro (NM_001322015.2); short protein forms S128P, S22P, S25P.
Identifiers: ClinVar variation 630027 (VCV000630027.10), dbSNP rs1562690462, ClinGen allele CA366744460.
Genomic context (GRCh38, chr7:6,002,608, plus strand): 5'-GGGTTTTCTGGATAATTTTCCCATTGTGATCAAACATCAGTCGAGTTCCAACCTTCGCCG[A>G]TGCGTGGCAGGTAGAAATGGTGACATCGCTGTGAGAGAATACCAGGCATGGTGTGTTCAG-3'
Protein context (NP_000526.2, residues 118-138): SDVTISTCHA[Ser128Pro]AKVGTRLMFD

ClinVar aggregate classification (germline): Uncertain significance. Review status: criteria provided, multiple submitters, no conflicts (2 of 4 stars). 2 submissions from 2 submitters: Uncertain significance (2). Last evaluated 2023-12-05.

Conditions:
Hereditary cancer-predisposing syndrome. Also called: Neoplastic Syndromes, Hereditary; Tumor predisposition; Hereditary neoplastic syndrome; Hereditary Cancer Syndrome. Identifiers: Orphanet 140162, MedGen C0027672, MeSH D009386, MONDO:0015356.
Hereditary nonpolyposis colorectal neoplasms. Identifiers: MedGen C0009405, MeSH D003123.

Submissions (2):

Color Diagnostics, LLC DBA Color Health
Classification: Uncertain significance for Hereditary cancer-predisposing syndrome. Last evaluated: 2023-12-05. Review status: criteria provided, single submitter. Criteria: ACMG Guidelines, 2015. Collection method: clinical testing. Allele origin: germline.
Comment: This missense variant replaces serine with proline at codon 128 of the PMS2 protein. Computational prediction suggests that this variant may not impact protein structure and function (internally defined REVEL score threshold <= 0.5, PMID: 27666373). To our knowledge, functional studies have not been reported for this variant. This variant has not been reported in individuals affected with PMS2-related disorders in the literature. This variant has not been identified in the general population by the Genome Aggregation Database (gnomAD). The available evidence is insufficient to determine the role of this variant in disease conclusively. Therefore, this variant is classified as a Variant of Uncertain Significance.

Labcorp Genetics (formerly Invitae), Labcorp
Classification: Uncertain significance for Hereditary nonpolyposis colorectal neoplasms. Last evaluated: 2022-11-23. Review status: criteria provided, single submitter. Criteria: Invitae Variant Classification Sherloc (09022015). Collection method: clinical testing. Allele origin: germline.
Comment: This sequence change replaces serine, which is neutral and polar, with proline, which is neutral and non-polar, at codon 128 of the PMS2 protein (p.Ser128Pro). This variant is not present in population databases (gnomAD no frequency). This variant has not been reported in the literature in individuals affected with PMS2-related conditions. ClinVar contains an entry for this variant (Variation ID: 630027). Advanced modeling of protein sequence and biophysical properties (such as structural, functional, and spatial information, amino acid conservation, physicochemical variation, residue mobility, and thermodynamic stability) performed at Invitae indicates that this missense variant is expected to disrupt PMS2 protein function. In summary, the available evidence is currently insufficient to determine the role of this variant in disease. Therefore, it has been classified as a Variant of Uncertain Significance.